The following is an entry in ClinVar:

ClinVar aggregate classification (germline): Uncertain significance (1 of 4 stars; one submission).

Conditions:
Congenital myasthenic syndrome 8. Also called: MYASTHENIC SYNDROME, CONGENITAL, DUE TO AGRIN DEFICIENCY; Myasthenic syndrome, congenital, 8, with pre- and postsynaptic defects. Identifiers: Orphanet 590, MedGen C3808739, MONDO:0014052, OMIM 615120.

Allele frequency attached by ClinVar (database versions not stated): gnomAD 0.00001; TOPMed 0.00002.
gnomAD v4.1: 4 of 1,559,216 alleles (0.00026%); highest among the groups gnomAD compares: African/African-American, 0.0054%; no homozygotes.

Submission:

Labcorp Genetics (formerly Invitae), Labcorp
Classification: Uncertain significance for Congenital myasthenic syndrome 8. Last evaluated: 2022-02-05. Review status: criteria provided, single submitter. Criteria: Invitae Variant Classification Sherloc (09022015). Collection method: clinical testing. Allele origin: germline.
Comment: In summary, the available evidence is currently insufficient to determine the role of this variant in disease. Therefore, it has been classified as a Variant of Uncertain Significance. Algorithms developed to predict the effect of missense changes on protein structure and function are either unavailable or do not agree on the potential impact of this missense change (SIFT: "Deleterious"; PolyPhen-2: "Probably Damaging"; Align-GVGD: "Class C0"). ClinVar contains an entry for this variant (Variation ID: 474164). This variant has not been reported in the literature in individuals affected with AGRN-related conditions. This variant is not present in population databases (gnomAD no frequency). This sequence change replaces leucine, which is neutral and non-polar, with methionine, which is neutral and non-polar, at codon 1999 of the AGRN protein (p.Leu1999Met).

NM_198576.4(AGRN):c.5995C>A (p.Leu1999Met)

Gene: AGRN (agrin; plus strand). Cytogenetic location: 1p36.33.
Variant type: single nucleotide variant.
Coding change: c.5995C>A on transcript NM_198576.4 (MANE Select); coding-DNA position 5995, C replaced by A.
Protein change: p.Leu1999Met; replaces leucine 1999 with methionine.
Molecular consequence: missense variant.
Genome position (GRCh38, 1-based): chr1:1,054,838, C>A. VCF-style: chr1-1054838-C-A. GRCh37 (hg19) VCF-style: chr1-990218-C-A.
Other names: c.6064C>A, p.Leu2022Met (NM_001305275.2); c.5692C>A, p.Leu1898Met (NM_001364727.2); short protein forms L1999M, L1898M, L2022M.
Identifiers: ClinVar variation 474164 (VCV000474164.5), dbSNP rs868724036, ClinGen allele CA16706805.